The following is an entry in ClinVar:

ClinVar aggregate classification (germline): Likely pathogenic (1 of 4 stars; one submission).

Submission:

Dasa
Classification: Likely pathogenic. Last evaluated: 2026-03-16. Review status: criteria provided, single submitter. Criteria: DASA Assertion Criteria. Collection method: clinical testing. Allele origin: germline.
Comment: NM_207111.4(RNF216):c.218del (p.Arg73Asnfs*16) is a frameshift variant in RNF216 predicted to alter the reading frame and introduce a premature termination codon and is predicted to result in an absent or altered protein product. Loss of function is an established disease mechanism for RNF216-associated disorders. Also, this variant is rare in population databases. Based on the currently available evidence, this variant is classified as likely pathogenic.

NM_207111.4(RNF216):c.218del (p.Arg73fs)

Gene: RNF216 (ring finger protein 216; minus strand). Cytogenetic location: 7p22.1.
Variant type: Deletion.
Coding change: c.218del on transcript NM_207111.4 (MANE Select); coding-DNA position 218, one base deleted (G; older notation c.218delG).
Protein change: p.Arg73fs; shifts the reading frame from arginine 73.
Molecular consequence: frameshift variant. On other transcripts: intron variant (2).
Genome position (GRCh38, 1-based): chr7:5,741,799, C deleted on the plus strand (G on the coding strand, the reverse complement: RNF216 is on the minus strand). VCF-style (leftmost placement, unchanged base first): chr7-5741798-TC-T. GRCh37 (hg19) VCF-style: chr7-5781429-TC-T.
Other names: c.202-155del (NM_207116.3, NM_001377156.1); short protein forms R73fs.
Identifiers: ClinVar variation 4884263 (VCV004884263.2).